The following is an entry in ClinVar:

NM_001375405.1(CEP120):c.2840G>A (p.Arg947His)

Gene: CEP120 (centrosomal protein 120; minus strand). Cytogenetic location: 5q23.2.
Variant type: single nucleotide variant.
Coding change: c.2840G>A on transcript NM_001375405.1 (MANE Select); coding-DNA position 2840, G replaced by A.
Protein change: p.Arg947His; replaces arginine 947 with histidine.
Molecular consequence: missense variant. On other transcripts: 3 prime UTR variant (1), non-coding transcript variant (1).
Genome position (GRCh38, 1-based): chr5:123,346,640, C>T on the plus strand (G>A on the coding strand, the complement: CEP120 is on the minus strand). VCF-style: chr5-123346640-C-T. GRCh37 (hg19) VCF-style: chr5-122682334-C-T.
Other names: p.Arg947His; c.2762G>A, p.Arg921His (NM_001166226.2); c.2705G>A, p.Arg902His (NM_001375406.1); c.*109G>A (NM_001375407.1); c.2267G>A, p.Arg756His (NM_001375408.1, NM_001375409.1); c.2840G>A, p.Arg947His (NM_153223.4); short protein forms R756H, R902H, R921H, R947H.
Identifiers: ClinVar variation 1168235 (VCV001168235.12), dbSNP rs2303720, ClinGen allele CA3386510.
Genomic context (GRCh38, chr5:123,346,640, plus strand): 5'-ATTCGATCCTCGTGATTATACACACCCGTTCTCATCAAAGTATCCCTTTCTTCTATCAGG[C>T]GAGTCAAATAATCATCCAAACCTTCTTCCAATACACTGCCATGGGGGCCATCCTTTTTTC-3'
Protein context (NP_001362334.1, residues 937-957): LEEGLDDYLT[Arg947His]LIEERDTLMR

ClinVar aggregate classification (germline): Benign. Review status: criteria provided, multiple submitters, no conflicts (2 of 4 stars). 4 submissions from 4 submitters: Benign (4). Last evaluated 2026-02-02.

Conditions:
Short-rib thoracic dysplasia 13 with or without polydactyly (SRTD13). Identifiers: Orphanet 474, MedGen C4225378, MONDO:0014577, OMIM 616300.

Allele frequency attached by ClinVar (database versions not stated): ESP Exome Variant Server 0.03598; TOPMed 0.04444; 1000 Genomes Project 30x 0.06871; 1000 Genomes Project 0.07169.
gnomAD v4.1: 58,573 of 1,613,692 alleles (3.6%); highest among the groups gnomAD compares: South Asian, 10%; 1,684 homozygotes.

Submissions (4):

Labcorp Genetics (formerly Invitae), Labcorp
Classification: Benign for Short-rib thoracic dysplasia 13 with or without polydactyly. Last evaluated: 2026-02-02. Review status: criteria provided, single submitter. Criteria: Invitae Variant Classification Sherloc (09022015). Collection method: clinical testing. Allele origin: germline.

Blueprint Genetics
Classification: Benign. Last evaluated: 2024-11-26. Review status: criteria provided, single submitter. Criteria: ACMG Guidelines, 2015. Collection method: clinical testing. Allele origin: germline.

Mayo Clinic Laboratories, Mayo Clinic
Classification: Benign. Last evaluated: 2024-06-14. Review status: criteria provided, single submitter. Criteria: ACMG Guidelines, 2015. Collection method: clinical testing. Allele origin: germline. Observed: 5 variant alleles.
Comment: BA1

GeneDx
Classification: Benign. Last evaluated: 2018-08-03. Review status: criteria provided, single submitter. Criteria: GeneDx Variant Classification Process June 2021. Collection method: clinical testing. Allele origin: germline. Affected: yes.
Comment: This variant is associated with the following publications: (PMID: 32772081)